The following is an entry in ClinVar:

NM_001379200.1(TBX1):c.113G>A (p.Gly38Asp)

Gene: TBX1 (T-box transcription factor 1; plus strand). Cytogenetic location: 22q11.21.
Variant type: single nucleotide variant.
Coding change: c.113G>A on transcript NM_001379200.1 (MANE Select); coding-DNA position 113, G replaced by A.
Protein change: p.Gly38Asp; replaces glycine 38 with aspartic acid.
Molecular consequence: missense variant.
Genome position (GRCh38, 1-based): chr22:19,760,956, G>A. VCF-style: chr22-19760956-G-A. GRCh37 (hg19) VCF-style: chr22-19748479-G-A.
Other names: c.86G>A, p.Gly29Asp (NM_005992.1, NM_080646.2, NM_080647.1); short protein forms G29D, G38D.
Identifiers: ClinVar variation 1307788 (VCV001307788.6), dbSNP rs908778553, ClinGen allele CA322051958.

ClinVar aggregate classification (germline): Uncertain significance. Review status: criteria provided, multiple submitters, no conflicts (2 of 4 stars). 2 submissions from 2 submitters: Uncertain significance (2). Last evaluated 2026-01-21.

Conditions:
DiGeorge syndrome. Also called: THIRD AND FOURTH PHARYNGEAL POUCH SYNDROME; Catch22. Identifiers: Orphanet 567, MedGen C0012236, MONDO:0008564, OMIM 188400.

Allele frequency attached by ClinVar (database versions not stated): gnomAD 0.00004; TOPMed 0.00008; 1000 Genomes Project 30x 0.00016.

Submissions (2):

Labcorp Genetics (formerly Invitae), Labcorp
Classification: Uncertain significance for DiGeorge syndrome. Last evaluated: 2026-01-21. Review status: criteria provided, single submitter. Criteria: Invitae Variant Classification Sherloc (09022015). Collection method: clinical testing. Allele origin: germline.
Comment: This sequence change replaces glycine, which is neutral and non-polar, with aspartic acid, which is acidic and polar, at codon 29 of the TBX1 protein (p.Gly29Asp). The frequency data for this variant in the population databases is considered unreliable, as metrics indicate insufficient coverage at this position in the gnomAD database. This variant has not been reported in the literature in individuals affected with TBX1-related conditions. ClinVar contains an entry for this variant (Variation ID: 1307788). Experimental studies and prediction algorithms are not available or were not evaluated, and the functional significance of this variant is currently unknown. In summary, the available evidence is currently insufficient to determine the role of this variant in disease. Therefore, it has been classified as a Variant of Uncertain Significance.

GeneDx
Classification: Uncertain significance. Last evaluated: 2020-04-13. Review status: criteria provided, single submitter. Criteria: GeneDx Variant Classification Process June 2021. Collection method: clinical testing. Allele origin: germline. Affected: yes.
Comment: Not observed in large population cohorts (Lek et al., 2016); In silico analysis supports that this missense variant does not alter protein structure/function; Has not been previously published as pathogenic or benign to our knowledge